The following is an entry in ClinVar:

ClinVar aggregate classification (germline): Uncertain significance (1 of 4 stars; one submission).

Conditions:
Tuberous sclerosis 1 (TSC1). Identifiers: Orphanet 805, MedGen C1854465, MONDO:0008612, OMIM 191100.

Submission:

Labcorp Genetics (formerly Invitae), Labcorp
Classification: Uncertain significance for Tuberous sclerosis 1. Last evaluated: 2023-02-25. Review status: criteria provided, single submitter. Criteria: Invitae Variant Classification Sherloc (09022015). Collection method: clinical testing. Allele origin: germline.
Comment: In summary, the available evidence is currently insufficient to determine the role of this variant in disease. Therefore, it has been classified as a Variant of Uncertain Significance. Advanced modeling of protein sequence and biophysical properties (such as structural, functional, and spatial information, amino acid conservation, physicochemical variation, residue mobility, and thermodynamic stability) performed at Invitae indicates that this missense variant is not expected to disrupt TSC1 protein function. This variant has not been reported in the literature in individuals affected with TSC1-related conditions. This variant is not present in population databases (gnomAD no frequency). This sequence change replaces histidine, which is basic and polar, with arginine, which is basic and polar, at codon 1007 of the TSC1 protein (p.His1007Arg).

NM_000368.5(TSC1):c.3020A>G (p.His1007Arg)

Gene: TSC1 (TSC complex subunit 1; minus strand). Cytogenetic location: 9q34.13.
Variant type: single nucleotide variant.
Coding change: c.3020A>G on transcript NM_000368.5 (MANE Select); coding-DNA position 3020, A replaced by G.
Protein change: p.His1007Arg; replaces histidine 1007 with arginine.
Molecular consequence: missense variant. On other transcripts: non-coding transcript variant (5).
Genome position (GRCh38, 1-based): chr9:132,896,710, T>C on the plus strand (A>G on the coding strand, the complement: TSC1 is on the minus strand). VCF-style: chr9-132896710-T-C. GRCh37 (hg19) VCF-style: chr9-135772097-T-C.
Other names: c.3017A>G, p.His1006Arg (NM_001162426.2, NM_001406597.1, NM_001406598.1 and 2 more transcripts); c.2867A>G, p.His956Arg (NM_001162427.2, NM_001406610.1); c.2657A>G, p.His886Arg (NM_001362177.2, NM_001406614.1, NM_001406615.1 and 4 more transcripts); c.3020A>G, p.His1007Arg (NM_001406592.1, NM_001406593.1, NM_001406594.1 and 2 more transcripts); c.3005A>G, p.His1002Arg (NM_001406601.1, NM_001406602.1); c.3002A>G, p.His1001Arg (NM_001406603.1, NM_001406604.1); c.2978A>G, p.His993Arg (NM_001406605.1, NM_001406606.1, NM_001406607.1); c.2975A>G, p.His992Arg (NM_001406608.1, NM_001406609.1); and 8 more; short protein forms H1002R, H689R, H872R, H941R, H1001R, H656R, H690R, H871R.
Identifiers: ClinVar variation 2840418 (VCV002840418.3), dbSNP rs2131615012, ClinGen allele CA375367873.